The following is an entry in ClinVar:

NM_002471.4(MYH6):c.343T>C (p.Tyr115His)

Genes: MYH6 (myosin heavy chain 6; minus strand), LOC114827851 (VISTA enhancer hs2155; plus strand). Cytogenetic location: 14q11.2.
Variant type: single nucleotide variant.
Coding change: c.343T>C on transcript NM_002471.4 (MANE Select); coding-DNA position 343, T replaced by C.
Protein change: p.Tyr115His; replaces tyrosine 115 with histidine.
Molecular consequence: missense variant.
Genome position (GRCh38, 1-based): chr14:23,405,629, A>G on the plus strand (T>C on the coding strand, the complement: MYH6 is on the minus strand). VCF-style: chr14-23405629-A-G. GRCh37 (hg19) VCF-style: chr14-23874838-A-G.
Other names: short protein forms Y115H.
Identifiers: ClinVar variation 1805286 (VCV001805286.1), dbSNP rs777804028, ClinGen allele CA7116203.
Genomic context (GRCh38, chr14:23,405,629, plus strand): 5'-GCTTATTTAGGCCTCCACGCAGCACAGGAAGCCTCTGCAGTGTGCAGGAGCCACTCACAT[A>G]TATCATCCAGGCCGCGTAGCGCTCCTTGAGGTTGAAAAGCACCGCGGGCTCGTGCAGGAA-3'
Protein context (NP_002462.2, residues 105-125): LKERYAAWMI[Tyr115His]TYSGLFCVTV

ClinVar aggregate classification (germline): Uncertain significance (1 of 4 stars; one submission).

Conditions:
Hypertrophic cardiomyopathy 14. Identifiers: MedGen C2750467, MONDO:0013197, OMIM 613251.

Allele frequency attached by ClinVar (database versions not stated): gnomAD exomes below 0.00001; ExAC 0.00001; gnomAD 0.00001.

Submission:

Victorian Clinical Genetics Services, Murdoch Childrens Research Institute
Classification: Uncertain significance for Hypertrophic cardiomyopathy 14. Last evaluated: 2020-05-21. Review status: criteria provided, single submitter. Criteria: ACMG Guidelines, 2015. Collection method: clinical testing. Allele origin: germline. Inheritance: Autosomal dominant inheritance. Affected: yes.
Comment: Based on the classification scheme VCGS_Germline_v1.1.1, this variant is classified as VUS. Following criteria are met: 0105 - The mechanism of disease for this gene is not clearly established. (N) 0107 - This gene is known to be associated with autosomal dominant disease. (N) 0200 - Variant is predicted to result in a missense amino acid change from tyrosine to histidine (exon 4). (N) 0251 - Variant is heterozygous. (N) 0302 - Variant is present in gnomAD <0.001 for a dominant condition (2 Heterozygotes, 0 Homozygotes). (P) 0501 - Missense variant consistently predicted to be damaging by multiple in-silico tools or highly conserved with a major amino acid change. (P) 0600 - Variant is located in an annotated domain or motif: Myosin motor domain. (N) 0704 - Comparable variant has low previous evidence for pathogenicity. A different variant in the same codon resulting in a change to histidine has been reported in a patient with hypoplastic left heart syndrome (Tomita-Mitchell, A. et al. (2016)). (P) 0807 - Variant has not previously been reported in a clinical context. (N) 0905 - No segregation evidence has been identified for this variant. (N) 1007 - No published functional evidence has been identified for this variant. (N) 1208 - Inheritance information for this variant is not currently available. (N) Legend: (P) - Pathogenic, (N) - Neutral, (B) - Benign

Literature cited by the submitters: PubMed 27789736.